The following is an entry in ClinVar:

ClinVar aggregate classification (germline): Uncertain significance (1 of 4 stars; one submission).

Submission:

GeneDx
Classification: Uncertain significance. Last evaluated: 2024-11-10. Review status: criteria provided, single submitter. Criteria: GeneDx Variant Classification Process June 2021. Collection method: clinical testing. Allele origin: germline. Affected: yes.
Comment: Not observed at significant frequency in large population cohorts (gnomAD); In silico analysis indicates that this missense variant does not alter protein structure/function; Has not been previously published as pathogenic or benign to our knowledge

NM_001081550.2(THOC2):c.1168A>T (p.Thr390Ser)

Gene: THOC2 (THO complex subunit 2; minus strand). Cytogenetic location: Xq25.
Variant type: single nucleotide variant.
Coding change: c.1168A>T on transcript NM_001081550.2 (MANE Select); coding-DNA position 1168, A replaced by T.
Protein change: p.Thr390Ser; replaces threonine 390 with serine.
Molecular consequence: missense variant.
Genome position (GRCh38, 1-based): chrX:123,667,128, T>A on the plus strand (A>T on the coding strand, the complement: THOC2 is on the minus strand). VCF-style: chrX-123667128-T-A. GRCh37 (hg19) VCF-style: chrX-122800979-T-A.
Other names: short protein forms T390S.
Identifiers: ClinVar variation 3898868 (VCV003898868.1).